The following is an entry in ClinVar:

NM_000038.6(APC):c.145A>T (p.Lys49Ter)

Gene: APC (APC regulator of Wnt signaling pathway; plus strand). Cytogenetic location: 5q22.2.
Variant type: single nucleotide variant.
Coding change: c.145A>T on transcript NM_000038.6 (MANE Select); coding-DNA position 145, A replaced by T.
Protein change: p.Lys49Ter; replaces lysine 49 with a stop codon.
Molecular consequence: nonsense. On other transcripts: 5 prime UTR variant (4).
Genome position (GRCh38, 1-based): chr5:112,766,335, A>T. VCF-style: chr5-112766335-A-T. GRCh37 (hg19) VCF-style: chr5-112102032-A-T.
Other names: c.145A>T, p.Lys49Ter (NM_001127510.3, NM_001354895.2, NM_001354896.2 and 2 more transcripts); c.175A>T, p.Lys59Ter (NM_001127511.3, NM_001354897.2, NM_001354902.2); c.70A>T, p.Lys24Ter (NM_001354898.2, NM_001354904.2); c.-33A>T (NM_001354900.2, NM_001354901.2, NM_001354905.2); c.-891A>T (NM_001354906.2); short protein forms K49*, K24*, K59*.
Identifiers: ClinVar variation 819274 (VCV000819274.10), dbSNP rs1581160030, ClinGen allele CA16021663.

ClinVar aggregate classification (germline): Pathogenic. Review status: criteria provided, multiple submitters, no conflicts (2 of 4 stars). 4 submissions from 4 submitters: Pathogenic (4). Last evaluated 2025-04-03.

Conditions:
Hereditary cancer-predisposing syndrome. Also called: Tumor predisposition; Hereditary neoplastic syndrome; Neoplastic Syndromes, Hereditary; Hereditary Cancer Syndrome. Identifiers: Orphanet 140162, MedGen C0027672, MeSH D009386, MONDO:0015356.
Familial adenomatous polyposis 1 (FAP1). Also called: FAMILIAL ADENOMATOUS POLYPOSIS 1, ATTENUATED; POLYPOSIS, ADENOMATOUS INTESTINAL. Identifiers: MedGen C2713442, MONDO:0021056, OMIM 175100. Disease mechanism: loss of function.
Classic or attenuated familial adenomatous polyposis. Identifiers: MedGen CN372698, MONDO:0021057.

Submissions (4):

Ambry Genetics
Classification: Pathogenic for Hereditary cancer-predisposing syndrome. Last evaluated: 2025-04-03. Review status: criteria provided, single submitter. Criteria: Ambry Variant Classification Scheme 2023. Collection method: clinical testing. Allele origin: germline.
Comment: The p.K49* pathogenic mutation (also known as c.145A>T), located in coding exon 2 of the APC gene, results from an A to T substitution at nucleotide position 145. This changes the amino acid from a lysine to a stop codon within coding exon 2. This variant is considered to be rare based on population cohorts in the Genome Aggregation Database (gnomAD). This alteration is expected to result in loss of function by premature protein truncation or nonsense-mediated mRNA decay. As such, this alteration is interpreted as a disease-causing mutation. However, alterations that result in premature termination in coding exon 2 are associated with an attenuated phenotype and may have reduced penetrance compared to classic familial adenomatous polyposis syndrome. Clinical correlation is advised.

All of Us Research Program, National Institutes of Health
Classification: Pathogenic for Classic or attenuated familial adenomatous polyposis. Last evaluated: 2024-09-16. Review status: criteria provided, single submitter. Criteria: ACMG Guidelines, 2015. Collection method: clinical testing. Allele origin: germline. Inheritance: Autosomal dominant inheritance. Observed: 1 variant allele, 1 heterozygote.
Comment: This variant changes 1 nucleotide in exon 3 of the APC gene, creating a premature translation stop signal. This variant is expected to result in an absent or non-functional protein product. To our knowledge, this variant has not been reported in individuals affected with APC-related disorders in the literature. This variant has not been identified in the general population by the Genome Aggregation Database (gnomAD). Loss of APC function is a known mechanism of disease. Based on the available evidence, this variant is classified as Pathogenic.

This study involves interpretation of variants in research participants for the purpose of population health screening. Participant phenotype was not available at the time of variant classification. Additional details can be found in publication PMID: 35346344, PMCID: PMC8962531

Color Diagnostics, LLC DBA Color Health
Classification: Pathogenic for Hereditary cancer-predisposing syndrome. Last evaluated: 2024-08-07. Review status: criteria provided, single submitter. Criteria: ACMG Guidelines, 2015. Collection method: clinical testing. Allele origin: germline.
Comment: This variant changes 1 nucleotide in exon 3 of the APC gene, creating a premature translation stop signal. This variant is expected to result in an absent or non-functional protein product. To our knowledge, this variant has not been reported in individuals affected with APC-related disorders in the literature. This variant has not been identified in the general population by the Genome Aggregation Database (gnomAD). Loss of APC function is a known mechanism of disease. Based on the available evidence, this variant is classified as Pathogenic.

Myriad Genetics, Inc.
Classification: Pathogenic for Familial adenomatous polyposis 1. Last evaluated: 2023-04-24. Review status: criteria provided, single submitter. Criteria: Myriad Autosomal Dominant, Autosomal Recessive and X-Linked Classification Criteria (2023). Collection method: clinical testing. Allele origin: unknown.
Comment: This variant is considered pathogenic. This variant creates a termination codon and is predicted to result in premature protein truncation.